The following is an entry in ClinVar:

NM_005763.4(AASS):c.2384A>G (p.Glu795Gly)

Gene: AASS (aminoadipate-semialdehyde synthase; minus strand). Cytogenetic location: 7q31.32.
Variant type: single nucleotide variant.
Coding change: c.2384A>G on transcript NM_005763.4 (MANE Select); coding-DNA position 2384, A replaced by G.
Protein change: p.Glu795Gly; replaces glutamic acid 795 with glycine.
Molecular consequence: missense variant.
Genome position (GRCh38, 1-based): chr7:122,079,609, T>C on the plus strand (A>G on the coding strand, the complement: AASS is on the minus strand). VCF-style: chr7-122079609-T-C. GRCh37 (hg19) VCF-style: chr7-121719663-T-C.
Other names: short protein forms E795G.
Identifiers: ClinVar variation 2095645 (VCV002095645.4), dbSNP rs2485981218, ClinGen allele CA369030515.
Genomic context (GRCh38, chr7:122,079,609, plus strand): 5'-ATCATTGATCCAGTATATTTTGCTCTAAGTTGAGTGGTGGGTGCCTACCATTCAGCAGCC[T>C]CCAACTGGGTATTGTCTCCTCCTAGTTTCTTAAGAACAGCTTCCTTCAACACATCATGCT-3'
Protein context (NP_005754.2, residues 785-805): KKLGGDNTQL[Glu795Gly]AAEWLGLLGD

ClinVar aggregate classification (germline): Uncertain significance (1 of 4 stars; one submission).

Submission:

Labcorp Genetics (formerly Invitae), Labcorp
Classification: Uncertain significance. Last evaluated: 2022-03-23. Review status: criteria provided, single submitter. Criteria: Invitae Variant Classification Sherloc (09022015). Collection method: clinical testing. Allele origin: germline.
Comment: This variant has not been reported in the literature in individuals affected with AASS-related conditions. In summary, the available evidence is currently insufficient to determine the role of this variant in disease. Therefore, it has been classified as a Variant of Uncertain Significance. Algorithms developed to predict the effect of missense changes on protein structure and function (SIFT, PolyPhen-2, Align-GVGD) all suggest that this variant is likely to be tolerated. This variant is not present in population databases (gnomAD no frequency). This sequence change replaces glutamic acid, which is acidic and polar, with glycine, which is neutral and non-polar, at codon 795 of the AASS protein (p.Glu795Gly).